The following is an entry in ClinVar:

NM_020832.3(ZNF687):c.3158T>C (p.Leu1053Pro)

Gene: ZNF687 (zinc finger protein 687; plus strand). Cytogenetic location: 1q21.3.
Variant type: single nucleotide variant.
Coding change: c.3158T>C on transcript NM_020832.3 (MANE Select); coding-DNA position 3158, T replaced by C.
Protein change: p.Leu1053Pro; replaces leucine 1053 with proline.
Molecular consequence: missense variant.
Genome position (GRCh38, 1-based): chr1:151,290,512, T>C. VCF-style: chr1-151290512-T-C. GRCh37 (hg19) VCF-style: chr1-151262988-T-C.
Other names: c.3158T>C, p.Leu1053Pro (NM_001304763.2, NM_001304764.2); short protein forms L1053P.
Identifiers: ClinVar variation 2991500 (VCV002991500.3), dbSNP rs1460164412, ClinGen allele CA341960238.

ClinVar aggregate classification (germline): Uncertain significance (1 of 4 stars; one submission).

Allele frequency attached by ClinVar (database versions not stated): gnomAD 0.00001; gnomAD exomes 0.00001.
gnomAD v4.1: 4 of 1,613,794 alleles (0.00025%); highest among the groups gnomAD compares: South Asian, 0.0022%; no homozygotes.

Submission:

Labcorp Genetics (formerly Invitae), Labcorp
Classification: Uncertain significance. Last evaluated: 2023-05-15. Review status: criteria provided, single submitter. Criteria: Invitae Variant Classification Sherloc (09022015). Collection method: clinical testing. Allele origin: germline.
Comment: In summary, the available evidence is currently insufficient to determine the role of this variant in disease. Therefore, it has been classified as a Variant of Uncertain Significance. Algorithms developed to predict the effect of missense changes on protein structure and function output the following: SIFT: "Not Available"; PolyPhen-2: "Possibly Damaging"; Align-GVGD: "Not Available". The proline amino acid residue is found in multiple mammalian species, which suggests that this missense change does not adversely affect protein function. This variant has not been reported in the literature in individuals affected with ZNF687-related conditions. This variant is present in population databases (no rsID available, gnomAD 0.003%). This sequence change replaces leucine, which is neutral and non-polar, with proline, which is neutral and non-polar, at codon 1053 of the ZNF687 protein (p.Leu1053Pro).